The following is an entry in ClinVar:

NM_003000.3(SDHB):c.8C>T (p.Ala3Val)

Gene: SDHB (succinate dehydrogenase complex iron sulfur subunit B; minus strand). Cytogenetic location: 1p36.13.
Variant type: single nucleotide variant.
Coding change: c.8C>T on transcript NM_003000.3 (MANE Select); coding-DNA position 8, C replaced by T.
Protein change: p.Ala3Val; replaces alanine 3 with valine.
Molecular consequence: missense variant.
Genome position (GRCh38, 1-based): chr1:17,054,012, G>A on the plus strand (C>T on the coding strand, the complement: SDHB is on the minus strand). VCF-style: chr1-17054012-G-A. GRCh37 (hg19) VCF-style: chr1-17380507-G-A.
Other names: short protein forms A3V.
Identifiers: ClinVar variation 459175 (VCV000459175.10), dbSNP rs11203289, ClinGen allele CA338230874.

ClinVar aggregate classification (germline): Uncertain significance. Review status: criteria provided, multiple submitters, no conflicts (2 of 4 stars). 2 submissions from 2 submitters: Uncertain significance (2). Last evaluated 2026-01-12.

Conditions:
Hereditary cancer-predisposing syndrome. Also called: Tumor predisposition; Hereditary neoplastic syndrome; Neoplastic Syndromes, Hereditary; Hereditary Cancer Syndrome. Identifiers: Orphanet 140162, MedGen C0027672, MeSH D009386, MONDO:0015356.
Pheochromocytoma. Also called: MAX-Related Hereditary Paraganglioma-Pheochromocytoma Syndrome. Identifiers: Orphanet 29072, MedGen C0031511, MONDO:0008233, OMIM 171300, HP:0002666.
Pheochromocytoma/paraganglioma syndrome 4. Also called: SDHB-Related Hereditary Paraganglioma-Pheochromocytoma Syndrome (Paragangliomas 4); CAROTID BODY TUMORS AND MULTIPLE EXTRAADRENAL PHEOCHROMOCYTOMAS; PARAGANGLIOMA, FAMILIAL MALIGNANT; PARAGANGLIOMAS, HEREDITARY EXTRAADRENAL; SDHB-Related Hereditary Paraganglioma-Pheochromocytoma Syndrome; PHEOCHROMOCYTOMA, FAMILIAL EXTRAADRENAL. Identifiers: Orphanet 29072, MedGen C1861848, MONDO:0007273, OMIM 115310.
Gastrointestinal stromal tumor. Also called: Gastrointestinal stroma tumor; Gastrointestinal stromal tumor, somatic. Identifiers: Orphanet 44890, MedGen C0238198, MeSH D046152, MONDO:0011719, OMIM 606764, HP:0100723.

gnomAD v4.1: 6 of 1,610,244 alleles (0.00037%); highest among the groups gnomAD compares: South Asian, 0.0011%; no homozygotes.

Submissions (2):

Labcorp Genetics (formerly Invitae), Labcorp
Classification: Uncertain significance for Gastrointestinal stromal tumor; Pheochromocytoma/paraganglioma syndrome 4; Pheochromocytoma. Last evaluated: 2026-01-12. Review status: criteria provided, single submitter. Criteria: Invitae Variant Classification Sherloc (09022015). Collection method: clinical testing. Allele origin: germline.
Comment: This sequence change replaces alanine, which is neutral and non-polar, with valine, which is neutral and non-polar, at codon 3 of the SDHB protein (p.Ala3Val). The frequency data for this variant in the population databases is considered unreliable, as metrics indicate poor data quality at this position in the gnomAD database. This variant has not been reported in the literature in individuals affected with SDHB-related conditions. ClinVar contains an entry for this variant (Variation ID: 459175). Invitae Evidence Modeling of protein sequence and biophysical properties (such as structural, functional, and spatial information, amino acid conservation, physicochemical variation, residue mobility, and thermodynamic stability) has been performed for this missense variant. However, the output from this modeling did not meet the statistical confidence thresholds required to predict the impact of this variant on SDHB protein function. In summary, the available evidence is currently insufficient to determine the role of this variant in disease. Therefore, it has been classified as a Variant of Uncertain Significance.

Ambry Genetics
Classification: Uncertain significance for Hereditary cancer-predisposing syndrome. Last evaluated: 2023-04-27. Review status: criteria provided, single submitter. Criteria: Ambry Variant Classification Scheme 2023. Collection method: clinical testing. Allele origin: germline.
Comment: The p.A3V variant (also known as c.8C>T), located in coding exon 1 of the SDHB gene, results from a C to T substitution at nucleotide position 8. The alanine at codon 3 is replaced by valine, an amino acid with similar properties. This amino acid position is highly conserved in available vertebrate species. In addition, the in silico prediction for this alteration is inconclusive. Since supporting evidence is limited at this time, the clinical significance of this alteration remains unclear.